The following is an entry in ClinVar:

NM_032656.4(DHX37):c.2263A>G (p.Arg755Gly)

Gene: DHX37 (DEAH-box helicase 37; minus strand). Cytogenetic location: 12q24.31.
Variant type: single nucleotide variant.
Coding change: c.2263A>G on transcript NM_032656.4 (MANE Select); coding-DNA position 2263, A replaced by G.
Protein change: p.Arg755Gly; replaces arginine 755 with glycine.
Molecular consequence: missense variant.
Genome position (GRCh38, 1-based): chr12:124,957,030, T>C on the plus strand (A>G on the coding strand, the complement: DHX37 is on the minus strand). VCF-style: chr12-124957030-T-C. GRCh37 (hg19) VCF-style: chr12-125441576-T-C.
Other names: short protein forms R755G.
Identifiers: ClinVar variation 3373019 (VCV003373019.2).
Genomic context (GRCh38, chr12:124,957,030, plus strand): 5'-AAAAGGGAGAGAGGGCCCTGAACGGGGCAGGAACTGGGCTCTGCATCTCTTGGCCTTACC[T>C]TTCTGCTTTCTGGGGCGGTTGCAGGGCACCCAGTGCGATCAACAGCTCCTCGGCGGCAAG-3'
Protein context (NP_116045.2, residues 745-765): GALQPPQKAE[Arg755Gly]VKQLQENRLS

ClinVar aggregate classification (germline): Uncertain significance (1 of 4 stars; one submission).

gnomAD v4.1: 5 of 1,514,404 alleles (0.00033%); highest among the groups gnomAD compares: South Asian, 0.0026%; no homozygotes.

Submission:

GeneDx
Classification: Uncertain significance. Last evaluated: 2025-03-17. Review status: criteria provided, single submitter. Criteria: GeneDx Variant Classification Process June 2021. Collection method: clinical testing. Allele origin: germline. Affected: yes.
Comment: Not observed at significant frequency in large population cohorts (gnomAD); In silico analysis supports that this missense variant has a deleterious effect on protein structure/function; Has not been previously published as pathogenic or benign to our knowledge